The following is an entry in ClinVar:

NM_000540.3(RYR1):c.8932+4C>T

Gene: RYR1 (ryanodine receptor 1; plus strand). Cytogenetic location: 19q13.2.
Variant type: single nucleotide variant.
Coding change: c.8932+4C>T on transcript NM_000540.3 (MANE Select); 4 bases into the intron after coding-DNA position 8932, C replaced by T.
Molecular consequence: intron variant.
Genome position (GRCh38, 1-based): chr19:38,507,831, C>T. VCF-style: chr19-38507831-C-T. GRCh37 (hg19) VCF-style: chr19-38998471-C-T.
Other names: c.8932+4C>T (NM_001042723.2).
Identifiers: ClinVar variation 2649806 (VCV002649806.26), dbSNP rs772518280, ClinGen allele CA072936.

ClinVar aggregate classification (germline): Conflicting classifications of pathogenicity. Review status: criteria provided, conflicting classifications (1 of 4 stars). 2 submissions from 2 submitters: Uncertain significance (1); Likely benign (1). Last evaluated 2024-12-10.

Conditions:
RYR1-related disorder. Also called: RYR1-related condition; RYR1-related disorders. Identifiers: MedGen CN239331.

Allele frequency attached by ClinVar (database versions not stated): ExAC 0.00001; gnomAD 0.00001; gnomAD exomes 0.00001; TOPMed 0.00001.
gnomAD v4.1: 15 of 1,584,160 alleles (0.00095%); highest among the groups gnomAD compares: Middle Eastern, 0.1%; no homozygotes.

Submissions (2):

Labcorp Genetics (formerly Invitae), Labcorp
Classification: Uncertain significance for RYR1-related disorder. Last evaluated: 2024-12-10. Review status: criteria provided, single submitter. Criteria: Invitae Variant Classification Sherloc (09022015). Collection method: clinical testing. Allele origin: germline.
Comment: This sequence change falls in intron 58 of the RYR1 gene. It does not directly change the encoded amino acid sequence of the RYR1 protein. It affects a nucleotide within the consensus splice site. This variant is present in population databases (rs772518280, gnomAD 0.01%). This variant has not been reported in the literature in individuals affected with RYR1-related conditions. ClinVar contains an entry for this variant (Variation ID: 2649806). Variants that disrupt the consensus splice site are a relatively common cause of aberrant splicing (PMID: 17576681, 9536098). Algorithms developed to predict the effect of sequence changes on RNA splicing suggest that this variant is not likely to affect RNA splicing. In summary, the available evidence is currently insufficient to determine the role of this variant in disease. Therefore, it has been classified as a Variant of Uncertain Significance.

CeGaT Center for Human Genetics Tuebingen
Classification: Likely benign. Last evaluated: 2023-07-01. Review status: criteria provided, single submitter. Criteria: CeGaT Center For Human Genetics Tuebingen Variant Classification Criteria Version 2. Collection method: clinical testing. Allele origin: germline. Affected: yes. Observed: 1 variant allele.
Comment: RYR1: BP4

Literature cited by the submitters: PubMed 17576681 (cited by Labcorp Genetics (formerly Invitae), Labcorp); PubMed 9536098 (cited by Labcorp Genetics (formerly Invitae), Labcorp).